The following is an entry in ClinVar:

NM_032888.4(COL27A1):c.4588G>A (p.Asp1530Asn)

Gene: COL27A1 (collagen type XXVII alpha 1 chain; plus strand). Cytogenetic location: 9q32.
Variant type: single nucleotide variant.
Coding change: c.4588G>A on transcript NM_032888.4 (MANE Select); coding-DNA position 4588, G replaced by A.
Protein change: p.Asp1530Asn; replaces aspartic acid 1530 with asparagine.
Molecular consequence: missense variant.
Genome position (GRCh38, 1-based): chr9:114,300,073, G>A. VCF-style: chr9-114300073-G-A. GRCh37 (hg19) VCF-style: chr9-117062353-G-A.
Other names: short protein forms D1530N.
Identifiers: ClinVar variation 1427164 (VCV001427164.7), dbSNP rs762106089, ClinGen allele CA5202997.

ClinVar aggregate classification (germline): Uncertain significance (1 of 4 stars; one submission).

Allele frequency attached by ClinVar (database versions not stated): gnomAD 0.00001; gnomAD exomes 0.00001 and 0.00003; TOPMed 0.00001; ExAC 0.00002.
gnomAD v4.1: 22 of 1,614,040 alleles (0.0014%); highest among the groups gnomAD compares: Admixed American, 0.0067%; no homozygotes.

Submission:

Labcorp Genetics (formerly Invitae), Labcorp
Classification: Uncertain significance. Last evaluated: 2023-07-17. Review status: criteria provided, single submitter. Criteria: Invitae Variant Classification Sherloc (09022015). Collection method: clinical testing. Allele origin: germline.
Comment: Advanced modeling of protein sequence and biophysical properties (such as structural, functional, and spatial information, amino acid conservation, physicochemical variation, residue mobility, and thermodynamic stability) performed at Invitae indicates that this missense variant is not expected to disrupt COL27A1 protein function. This sequence change replaces aspartic acid, which is acidic and polar, with asparagine, which is neutral and polar, at codon 1530 of the COL27A1 protein (p.Asp1530Asn). This variant is present in population databases (rs762106089, gnomAD 0.01%). This variant has not been reported in the literature in individuals affected with COL27A1-related conditions. ClinVar contains an entry for this variant (Variation ID: 1427164). In summary, the available evidence is currently insufficient to determine the role of this variant in disease. Therefore, it has been classified as a Variant of Uncertain Significance.